The following is an entry in ClinVar:

NM_014669.5(NUP93):c.1221G>A (p.Ala407=)

Gene: NUP93 (nucleoporin 93; plus strand). Cytogenetic location: 16q13.
Variant type: single nucleotide variant.
Coding change: c.1221G>A on transcript NM_014669.5 (MANE Select); coding-DNA position 1221, G replaced by A.
Protein change: p.Ala407=; no amino-acid change (alanine 407 retained).
Molecular consequence: synonymous variant.
Genome position (GRCh38, 1-based): chr16:56,831,977, G>A. VCF-style: chr16-56831977-G-A. GRCh37 (hg19) VCF-style: chr16-56865889-G-A.
Other names: c.852G>A, p.Ala284= (NM_001242795.2, NM_001242796.2); c.1221G>A (NM_014669.4).
Identifiers: ClinVar variation 2708504 (VCV002708504.5), dbSNP rs369120051, ClinGen allele CA8068347.
Genomic context (GRCh38, chr16:56,831,977, plus strand): 5'-GCGGGCCGTGTACTGTATCATTGGCAGATGTGACGTCACCGACAACCAGAGTGAAGTGGC[G>A]GACAAAACTGAGGATTACCTGTGGCTGAAGGTAGGCACTGTTTCCCCTGCCCACATAGGG-3'
Protein context (NP_055484.3, residues 397-417): CDVTDNQSEV[Ala407=]DKTEDYLWLK

ClinVar aggregate classification (germline): Likely benign. Review status: criteria provided, single submitter (1 of 4 stars). 2 submissions from 2 submitters: Likely benign (1). 1 of the submissions does not count toward it. Last evaluated 2024-01-10.

Conditions:
NUP93-related disorder. Also called: NUP93-related condition.

Allele frequency attached by ClinVar (database versions not stated): ExAC 0.00002; gnomAD exomes 0.00002; ESP Exome Variant Server 0.00008; TOPMed 0.00013; gnomAD 0.00016; 1000 Genomes Project 0.00040; 1000 Genomes Project 30x 0.00047.
gnomAD v4.1: 47 of 1,614,010 alleles (0.0029%); highest among the groups gnomAD compares: African/African-American, 0.041%; no homozygotes.

Submissions (2):

Labcorp Genetics (formerly Invitae), Labcorp
Classification: Likely benign. Last evaluated: 2024-01-10. Review status: criteria provided, single submitter. Criteria: Invitae Variant Classification Sherloc (09022015). Collection method: clinical testing. Allele origin: germline.

PreventionGenetics, part of Exact Sciences
Classification: Likely benign for NUP93-related condition. Last evaluated: 2023-05-16. Review status: no assertion criteria provided. Collection method: clinical testing. Allele origin: germline. Not counted in ClinVar's aggregate classification.
Comment: This variant is classified as likely benign based on ACMG/AMP sequence variant interpretation guidelines (Richards et al. 2015 PMID: 25741868, with internal and published modifications).